The following is an entry in ClinVar:

ClinVar aggregate classification (germline): Pathogenic (1 of 4 stars; one submission).

Allele frequency attached by ClinVar (database versions not stated): gnomAD exomes below 0.00001 and 0.00001; ExAC 0.00001; gnomAD 0.00001; TOPMed 0.00001.

Submission:

Labcorp Genetics (formerly Invitae), Labcorp
Classification: Pathogenic. Last evaluated: 2024-10-16. Review status: criteria provided, single submitter. Criteria: Invitae Variant Classification Sherloc (09022015). Collection method: clinical testing. Allele origin: germline.
Comment: This sequence change creates a premature translational stop signal (p.Arg1165*) in the CARMIL2 gene. It is expected to result in an absent or disrupted protein product. Loss-of-function variants in CARMIL2 are known to be pathogenic (PMID: 27647349, 28112205). This variant is present in population databases (rs772257153, gnomAD 0.0009%). This variant has not been reported in the literature in individuals affected with CARMIL2-related conditions. ClinVar contains an entry for this variant (Variation ID: 1416319). For these reasons, this variant has been classified as Pathogenic.

Literature cited by the submitters: PubMed 27647349; PubMed 28112205.

NM_001013838.3(CARMIL2):c.3493C>T (p.Arg1165Ter)

Gene: CARMIL2 (capping protein regulator and myosin 1 linker 2; plus strand). Cytogenetic location: 16q22.1.
Variant type: single nucleotide variant.
Coding change: c.3493C>T on transcript NM_001013838.3 (MANE Select); coding-DNA position 3493, C replaced by T.
Protein change: p.Arg1165Ter; replaces arginine 1165 with a stop codon.
Molecular consequence: nonsense.
Genome position (GRCh38, 1-based): chr16:67,654,603, C>T. VCF-style: chr16-67654603-C-T. GRCh37 (hg19) VCF-style: chr16-67688506-C-T.
Other names: c.3385C>T, p.Arg1129Ter (NM_001317026.3); short protein forms R1165*, R1129*.
Identifiers: ClinVar variation 1416319 (VCV001416319.6), dbSNP rs772257153, ClinGen allele CA8114023.
Genomic context (GRCh38, chr16:67,654,603, plus strand): 5'-GGTGAGGAGCTTGGTGGGGCTGAGGGGGACACCAGCAGCCCTGACCCTGCCGGCAGGAGC[C>T]GACCTCGCTACACAAGAGATAGCAAGGCCTACTCGATGATACTGCTGCCTGCCGAGGAGG-3'